The following is an entry in ClinVar:

ClinVar aggregate classification (germline): Uncertain significance (1 of 4 stars; one submission).

Submission:

GeneDx
Classification: Uncertain significance. Last evaluated: 2024-06-20. Review status: criteria provided, single submitter. Criteria: GeneDx Variant Classification Process June 2021. Collection method: clinical testing. Allele origin: germline. Affected: yes.
Comment: Not observed at significant frequency in large population cohorts (gnomAD); In silico analysis supports that this missense variant has a deleterious effect on protein structure/function; Has not been previously published as pathogenic or benign to our knowledge

NM_015046.7(SETX):c.6101C>T (p.Pro2034Leu)

Gene: SETX (senataxin; minus strand). Cytogenetic location: 9q34.13.
Variant type: single nucleotide variant.
Coding change: c.6101C>T on transcript NM_015046.7 (MANE Select); coding-DNA position 6101, C replaced by T.
Protein change: p.Pro2034Leu; replaces proline 2034 with leucine.
Molecular consequence: missense variant.
Genome position (GRCh38, 1-based): chr9:132,295,877, G>A on the plus strand (C>T on the coding strand, the complement: SETX is on the minus strand). VCF-style: chr9-132295877-G-A. GRCh37 (hg19) VCF-style: chr9-135171264-G-A.
Other names: c.6101C>T, p.Pro2034Leu (NM_001351527.2, NM_001351528.2); short protein forms P2034L.
Identifiers: ClinVar variation 3391452 (VCV003391452.1).